The following is an entry in ClinVar:

NM_002236.5(KCNF1):c.248C>T (p.Pro83Leu)

Gene: KCNF1 (potassium voltage-gated channel modifier subfamily F member 1; plus strand). Cytogenetic location: 2p25.1.
Variant type: single nucleotide variant.
Coding change: c.248C>T on transcript NM_002236.5 (MANE Select); coding-DNA position 248, C replaced by T.
Protein change: p.Pro83Leu; replaces proline 83 with leucine.
Molecular consequence: missense variant.
Genome position (GRCh38, 1-based): chr2:10,912,674, C>T. VCF-style: chr2-10912674-C-T. GRCh37 (hg19) VCF-style: chr2-11052800-C-T.
Other names: short protein forms P83L.
Identifiers: ClinVar variation 161591 (VCV000161591.2), dbSNP rs193920977, ClinGen allele CA174408.

ClinVar aggregate classification (germline): Uncertain significance (0 of 4 stars; one submission).

Conditions:
Prostate cancer. Also called: Malignant tumor of prostate. Identifiers: Orphanet 1331, MedGen C0376358, MONDO:0008315, HP:0012125.

Submission:

Science for Life laboratory,  Karolinska Institutet
Classification: Uncertain significance for Malignant tumor of prostate. Review status: no assertion criteria provided. Collection method: not provided. Allele origin: somatic.
Comment: TumorID:SWE-4
ClinVar note: Converted during submission from Unknown to Uncertain significance.